The following is an entry in ClinVar:

ClinVar aggregate classification (germline): Uncertain significance (1 of 4 stars; one submission).

Allele frequency attached by ClinVar (database versions not stated): ExAC 0.00002; gnomAD 0.00003; 1000 Genomes Project 30x 0.00016; 1000 Genomes Project 0.00020.
gnomAD v4.1: 144 of 1,614,140 alleles (0.0089%); highest among the groups gnomAD compares: Non-Finnish European, 0.012%; no homozygotes.

Submission:

Labcorp Genetics (formerly Invitae), Labcorp
Classification: Uncertain significance. Last evaluated: 2023-10-13. Review status: criteria provided, single submitter. Criteria: Invitae Variant Classification Sherloc (09022015). Collection method: clinical testing. Allele origin: germline.
Comment: This sequence change replaces valine, which is neutral and non-polar, with isoleucine, which is neutral and non-polar, at codon 439 of the ROR1 protein (p.Val439Ile). This variant is present in population databases (rs186939505, gnomAD 0.007%). This variant has not been reported in the literature in individuals affected with ROR1-related conditions. Advanced modeling of protein sequence and biophysical properties (such as structural, functional, and spatial information, amino acid conservation, physicochemical variation, residue mobility, and thermodynamic stability) performed at Invitae indicates that this missense variant is not expected to disrupt ROR1 protein function. In summary, the available evidence is currently insufficient to determine the role of this variant in disease. Therefore, it has been classified as a Variant of Uncertain Significance.

NM_005012.4(ROR1):c.1315G>A (p.Val439Ile)

Gene: ROR1 (receptor tyrosine kinase like orphan receptor 1; plus strand). Cytogenetic location: 1p31.3.
Variant type: single nucleotide variant.
Coding change: c.1315G>A on transcript NM_005012.4 (MANE Select); coding-DNA position 1315, G replaced by A.
Protein change: p.Val439Ile; replaces valine 439 with isoleucine.
Molecular consequence: missense variant.
Genome position (GRCh38, 1-based): chr1:64,159,121, G>A. VCF-style: chr1-64159121-G-A. GRCh37 (hg19) VCF-style: chr1-64624804-G-A.
Other names: short protein forms V439I.
Identifiers: ClinVar variation 2765929 (VCV002765929.3), dbSNP rs186939505, ClinGen allele CA890254.